The following is an entry in ClinVar:

NM_006030.4(CACNA2D2):c.1607G>A (p.Arg536Lys)

Gene: CACNA2D2 (calcium voltage-gated channel auxiliary subunit alpha2delta 2; minus strand). Cytogenetic location: 3p21.31.
Variant type: single nucleotide variant.
Coding change: c.1607G>A on transcript NM_006030.4 (MANE Select); coding-DNA position 1607, G replaced by A.
Protein change: p.Arg536Lys; replaces arginine 536 with lysine.
Molecular consequence: missense variant.
Genome position (GRCh38, 1-based): chr3:50,377,486, C>T on the plus strand (G>A on the coding strand, the complement: CACNA2D2 is on the minus strand). VCF-style: chr3-50377486-C-T. GRCh37 (hg19) VCF-style: chr3-50414917-C-T.
Other names: c.1607G>A, p.Arg536Lys (NM_001005505.3, NM_001174051.3); c.1400G>A, p.Arg467Lys (NM_001291101.1); short protein forms R536K, R467K.
Identifiers: ClinVar variation 571721 (VCV000571721.7), dbSNP rs139046100, ClinGen allele CA2418804.
Genomic context (GRCh38, chr3:50,377,486, plus strand): 5'-CATGGGAGGCAGGGTACGCGGATGGGCAGGGGGATGCTCACCGTGTAGTTGGGGGTCAGC[C>T]TCTTGATGTCATTCAGAGCCACGTCAATGCCCATCACGCCCAGGATCAGCTGGTTCTGGG-3'
Protein context (NP_006021.2, residues 526-546): GIDVALNDIK[Arg536Lys]LTPNYTLGAN

ClinVar aggregate classification (germline): Uncertain significance (1 of 4 stars; one submission).

Conditions:
Developmental and epileptic encephalopathy. Identifiers: MedGen C5779964, MONDO:0100620.

Allele frequency attached by ClinVar (database versions not stated): TOPMed 0.00010; ExAC 0.00011; gnomAD exomes 0.00014 and 0.00006; ESP Exome Variant Server 0.00015; gnomAD 0.00008 and 0.00009.
gnomAD v4.1: 226 of 1,613,014 alleles (0.014%); highest among the groups gnomAD compares: Non-Finnish European, 0.017%; no homozygotes.

Submission:

Labcorp Genetics (formerly Invitae), Labcorp
Classification: Uncertain significance for Early-infantile DEE. Last evaluated: 2022-08-05. Review status: criteria provided, single submitter. Criteria: Invitae Variant Classification Sherloc (09022015). Collection method: clinical testing. Allele origin: germline.
Comment: This sequence change replaces arginine, which is basic and polar, with lysine, which is basic and polar, at codon 536 of the CACNA2D2 protein (p.Arg536Lys). This variant is present in population databases (rs139046100, gnomAD 0.01%). This variant has not been reported in the literature in individuals affected with CACNA2D2-related conditions. ClinVar contains an entry for this variant (Variation ID: 571721). Algorithms developed to predict the effect of missense changes on protein structure and function output the following: SIFT: "Tolerated"; PolyPhen-2: "Benign"; Align-GVGD: "Class C0". The lysine amino acid residue is found in multiple mammalian species, which suggests that this missense change does not adversely affect protein function. In summary, the available evidence is currently insufficient to determine the role of this variant in disease. Therefore, it has been classified as a Variant of Uncertain Significance.